The following is an entry in ClinVar:

NM_000351.7(STS):c.807-6_807-5dup

Gene: STS (steroid sulfatase; plus strand). Cytogenetic location: Xp22.31.
Variant type: Duplication.
Coding change: c.807-6_807-5dup on transcript NM_000351.7; 6 bases into the intron before coding-DNA position 807 through 5 bases into the intron before coding-DNA position 807, 2 bases duplicated (TT; older notation c.807-6_807-5dupTT).
Genome position (GRCh38, 1-based): chrX:7,275,945-7,275,946, TT duplicated; duplicating any 2 consecutive bases within chrX:7,275,930-7,275,946 gives the same sequence; the c. name uses the placement nearest the transcript's 3' end. VCF-style (leftmost placement, unchanged base first): chrX-7275929-C-CTT. GRCh37 (hg19) VCF-style: chrX-7193970-C-CTT.
Other names: c.843-6_843-5dup (NM_001320750.3, NM_001320751.2); c.807-6_807-5dup (NM_001320752.2, NM_001320753.2, NM_001320754.2).
Identifiers: ClinVar variation 1691776 (VCV001691776.2), dbSNP rs748041421, ClinGen allele CA10342042.
Genomic context (GRCh38, chrX:7,275,929, plus strand): 5'-GATCTTAATCAGAATGGTGGCAGACATACTTAACATTATCTGTGGTCTTTTTTTTCCTCC[C>CTT]TTTTTTTTTTTTTTTTTGCAGGAACACTGAGACTCCGTTCCTGCTTGTCTTGTCCTACCT-3'

ClinVar aggregate classification (germline): Likely benign (1 of 4 stars; one submission).

Submission:

GeneDx
Classification: Likely benign. Last evaluated: 2020-03-27. Review status: criteria provided, single submitter. Criteria: GeneDx Variant Classification Process June 2021. Collection method: clinical testing. Allele origin: germline. Affected: yes.
Comment: See Variant Classification Assertion Criteria.